The following is an entry in ClinVar:

NM_001040142.2(SCN2A):c.3551T>C (p.Ile1184Thr)

Gene: SCN2A (sodium voltage-gated channel alpha subunit 2; plus strand). Cytogenetic location: 2q24.3.
Variant type: single nucleotide variant.
Coding change: c.3551T>C on transcript NM_001040142.2 (MANE Select); coding-DNA position 3551, T replaced by C.
Protein change: p.Ile1184Thr; replaces isoleucine 1184 with threonine.
Molecular consequence: missense variant.
Genome position (GRCh38, 1-based): chr2:165,367,247, T>C. VCF-style: chr2-165367247-T-C. GRCh37 (hg19) VCF-style: chr2-166223757-T-C.
Other names: c.3551T>C, p.Ile1184Thr (NM_001040143.2, NM_001371246.1, NM_001371247.1 and 1 more transcripts); short protein forms I1184T.
Identifiers: ClinVar variation 3897296 (VCV003897296.1).

ClinVar aggregate classification (germline): Uncertain significance (1 of 4 stars; one submission).

gnomAD v4.1: 7 of 1,614,064 alleles (0.00043%); highest among the groups gnomAD compares: Non-Finnish European, 0.00059%; no homozygotes.

Submission:

GeneDx
Classification: Uncertain significance. Last evaluated: 2024-10-31. Review status: criteria provided, single submitter. Criteria: GeneDx Variant Classification Process June 2021. Collection method: clinical testing. Allele origin: germline. Affected: yes.
Comment: Not observed at significant frequency in large population cohorts (gnomAD); In silico analysis supports that this missense variant has a deleterious effect on protein structure/function; Has not been previously published as pathogenic or benign to our knowledge; This substitution is predicted to be in the cytoplasmic loop between the second and third homologous domains